The following is an entry in ClinVar:

ClinVar aggregate classification (germline): Uncertain significance (1 of 4 stars; one submission).

Conditions:
Congenital adrenal hyperplasia due to cytochrome P450 oxidoreductase deficiency. Also called: DISORDERED STEROIDOGENESIS DUE TO POR DEFICIENCY. Identifiers: Orphanet 95699, MedGen C1860042, MONDO:0013310, OMIM 613571.

Allele frequency attached by ClinVar (database versions not stated): gnomAD 0.00001.
gnomAD v4.1: 2 of 1,613,264 alleles (0.00012%); highest among the groups gnomAD compares: African/African-American, 0.0027%; no homozygotes.

Submission:

Labcorp Genetics (formerly Invitae), Labcorp
Classification: Uncertain significance for Congenital adrenal hyperplasia due to cytochrome P450 oxidoreductase deficiency. Last evaluated: 2021-09-04. Review status: criteria provided, single submitter. Criteria: Invitae Variant Classification Sherloc (09022015). Collection method: clinical testing. Allele origin: germline.
Comment: In summary, the available evidence is currently insufficient to determine the role of this variant in disease. Therefore, it has been classified as a Variant of Uncertain Significance. This sequence change replaces tyrosine with cysteine at codon 87 of the POR protein (p.Tyr87Cys). The tyrosine residue is highly conserved and there is a large physicochemical difference between tyrosine and cysteine. This variant is not present in population databases (ExAC no frequency). This variant has not been reported in the literature in individuals affected with POR-related conditions. Algorithms developed to predict the effect of missense changes on protein structure and function (SIFT, PolyPhen-2, Align-GVGD) all suggest that this variant is likely to be disruptive.

NM_001395413.1(POR):c.251A>G (p.Tyr84Cys)

Gene: POR (cytochrome p450 oxidoreductase; plus strand). Cytogenetic location: 7q11.23.
Variant type: single nucleotide variant.
Coding change: c.251A>G on transcript NM_001395413.1 (MANE Select); coding-DNA position 251, A replaced by G.
Protein change: p.Tyr84Cys; replaces tyrosine 84 with cysteine.
Molecular consequence: missense variant.
Genome position (GRCh38, 1-based): chr7:75,979,473, A>G. VCF-style: chr7-75979473-A-G. GRCh37 (hg19) VCF-style: chr7-75608791-A-G.
Other names: c.251A>G, p.Tyr84Cys (NM_001367562.3, NM_001382657.2, NM_001382658.3 and 2 more transcripts); c.305A>G, p.Tyr102Cys (NM_001382655.3); short protein forms Y102C, Y84C.
Identifiers: ClinVar variation 1379676 (VCV001379676.6), dbSNP rs1047228872, ClinGen allele CA160901226.